The following is an entry in ClinVar:

NM_014639.4(SKIC3):c.1610del (p.Leu537fs)

Gene: SKIC3 (SKI3 subunit of superkiller complex; minus strand). Cytogenetic location: 5q15.
Variant type: Deletion.
Coding change: c.1610del on transcript NM_014639.4 (MANE Select); coding-DNA position 1610, one base deleted (T; older notation c.1610delT).
Protein change: p.Leu537fs; shifts the reading frame from leucine 537.
Molecular consequence: frameshift variant.
Genome position (GRCh38, 1-based): chr5:95,523,677, A deleted on the plus strand (T on the coding strand, the reverse complement: SKIC3 is on the minus strand). VCF-style (leftmost placement, unchanged base first): chr5-95523676-TA-T. GRCh37 (hg19) VCF-style: chr5-94859380-TA-T.
Other names: short protein forms L537fs.
Identifiers: ClinVar variation 2709015 (VCV002709015.3), dbSNP rs2530769210, ClinGen allele CA2697546344.
Genomic context (GRCh38, chr5:95,523,676, plus strand): 5'-ATAAAAAAAACAAAAAGCAAAAGTGATTATTAGACATACCATATCTTCAAGCTCCACACT[TA>T]GGTCAACTGCTGCAGCTCCAGATTCAGCATCAGTGTCATCTAATTCAAAGGCTTTCCTAT-3'

ClinVar aggregate classification (germline): Pathogenic (1 of 4 stars; one submission).

Submission:

Labcorp Genetics (formerly Invitae), Labcorp
Classification: Pathogenic. Last evaluated: 2024-01-11. Review status: criteria provided, single submitter. Criteria: Invitae Variant Classification Sherloc (09022015). Collection method: clinical testing. Allele origin: germline.
Comment: This sequence change creates a premature translational stop signal (p.Leu537Glnfs*12) in the TTC37 gene. It is expected to result in an absent or disrupted protein product. Loss-of-function variants in TTC37 are known to be pathogenic (PMID: 20176027, 21120949). This variant is not present in population databases (gnomAD no frequency). This variant has not been reported in the literature in individuals affected with TTC37-related conditions. For these reasons, this variant has been classified as Pathogenic.

Literature cited by the submitters: PubMed 20176027; PubMed 21120949.